The following is an entry in ClinVar:

NM_000071.3(CBS):c.429C>T (p.Ile143=)

Gene: CBS (cystathionine beta-synthase; minus strand). Cytogenetic location: 21q22.3.
Variant type: single nucleotide variant.
Coding change: c.429C>T on transcript NM_000071.3 (MANE Select); coding-DNA position 429, C replaced by T.
Protein change: p.Ile143=; no amino-acid change (isoleucine 143 retained).
Molecular consequence: synonymous variant.
Genome position (GRCh38, 1-based): chr21:43,066,265, G>A on the plus strand (C>T on the coding strand, the complement: CBS is on the minus strand). VCF-style: chr21-43066265-G-A. GRCh37 (hg19) VCF-style: chr21-44486375-G-A.
Other names: c.429C>T, p.Ile143= (NM_001178008.3, NM_001178009.3, NM_001320298.2); c.114C>T, p.Ile38= (NM_001321072.1).
Identifiers: ClinVar variation 538703 (VCV000538703.20), dbSNP rs370167302, ClinGen allele CA321097476.

ClinVar aggregate classification (germline): Likely benign. Review status: criteria provided, multiple submitters, no conflicts (2 of 4 stars). 5 submissions from 5 submitters: Likely benign (5). Last evaluated 2026-07-01.

Conditions:
HYPERHOMOCYSTEINEMIA, THROMBOTIC, CBS-RELATED. Identifiers: MedGen C3150344, OMIM 236200.
Familial thoracic aortic aneurysm and aortic dissection (TAAD). Also called: Thoracic aortic aneurysms and dissections. Identifiers: Orphanet 91387, MedGen C4707243, MONDO:0019625.

Allele frequency attached by ClinVar (database versions not stated): ExAC 0.00002; gnomAD exomes 0.00002 and 0.00003.

Submissions (5):

CeGaT Center for Human Genetics Tuebingen
Classification: Likely benign. Last evaluated: 2026-07-01. Review status: criteria provided, single submitter. Criteria: CeGaT Center For Human Genetics Tuebingen Variant Classification Criteria Version 2. Collection method: clinical testing. Allele origin: germline. Affected: yes. Observed: 1 variant allele.
Comment: CBS: BP4, BP7, BS2

Labcorp Genetics (formerly Invitae), Labcorp
Classification: Likely benign for HYPERHOMOCYSTEINEMIA, THROMBOTIC, CBS-RELATED. Last evaluated: 2026-02-02. Review status: criteria provided, single submitter. Criteria: Invitae Variant Classification Sherloc (09022015). Collection method: clinical testing. Allele origin: germline.

Blueprint Genetics
Classification: Likely benign. Last evaluated: 2024-03-22. Review status: criteria provided, single submitter. Criteria: ACMG Guidelines, 2015. Collection method: clinical testing. Allele origin: germline.

GeneDx
Classification: Likely benign. Last evaluated: 2020-05-26. Review status: criteria provided, single submitter. Criteria: GeneDx Variant Classification Process June 2021. Collection method: clinical testing. Allele origin: germline. Affected: yes.

Ambry Genetics
Classification: Likely benign for Familial thoracic aortic aneurysm and aortic dissection. Last evaluated: 2020-01-10. Review status: criteria provided, single submitter. Criteria: Ambry Variant Classification Scheme 2023. Collection method: clinical testing. Allele origin: germline.